The following is an entry in ClinVar:

NM_002519.3(NPAT):c.3824C>T (p.Ala1275Val)

Gene: NPAT (nuclear protein, coactivator of histone transcription; minus strand). Cytogenetic location: 11q22.3.
Variant type: single nucleotide variant.
Coding change: c.3824C>T on transcript NM_002519.3 (MANE Select); coding-DNA position 3824, C replaced by T.
Protein change: p.Ala1275Val; replaces alanine 1275 with valine.
Molecular consequence: missense variant.
Genome position (GRCh38, 1-based): chr11:108,161,262, G>A on the plus strand (C>T on the coding strand, the complement: NPAT is on the minus strand). VCF-style: chr11-108161262-G-A. GRCh37 (hg19) VCF-style: chr11-108031989-G-A.
Other names: c.3845C>T, p.Ala1282Val (NM_001321307.1); short protein forms A1275V, A1282V.
Identifiers: ClinVar variation 2879754 (VCV002879754.3), dbSNP rs2077845259, ClinGen allele CA382509969.

ClinVar aggregate classification (germline): Uncertain significance (1 of 4 stars; one submission).

Submission:

Labcorp Genetics (formerly Invitae), Labcorp
Classification: Uncertain significance. Last evaluated: 2023-10-06. Review status: criteria provided, single submitter. Criteria: Invitae Variant Classification Sherloc (09022015). Collection method: clinical testing. Allele origin: germline.
Comment: This sequence change replaces alanine, which is neutral and non-polar, with valine, which is neutral and non-polar, at codon 1275 of the NPAT protein (p.Ala1275Val). This variant is not present in population databases (gnomAD no frequency). This variant has not been reported in the literature in individuals affected with NPAT-related conditions. Algorithms developed to predict the effect of missense changes on protein structure and function output the following: SIFT: "Not Available"; PolyPhen-2: "Benign"; Align-GVGD: "Not Available". The valine amino acid residue is found in multiple mammalian species, which suggests that this missense change does not adversely affect protein function. In summary, the available evidence is currently insufficient to determine the role of this variant in disease. Therefore, it has been classified as a Variant of Uncertain Significance.